The following is an entry in ClinVar:

ClinVar aggregate classification (germline): Uncertain significance. Review status: criteria provided, multiple submitters, no conflicts (2 of 4 stars). 2 submissions from 2 submitters: Uncertain significance (2). Last evaluated 2023-03-01.

Conditions:
Walker-Warburg congenital muscular dystrophy. Also called: Muscular dystrophy-dystroglycanopathy, type A; Walker-Warburg syndrome. Identifiers: Orphanet 899, MedGen C0265221, MONDO:0000171.
Cardiovascular phenotype. Identifiers: MedGen CN230736.

Allele frequency attached by ClinVar (database versions not stated): gnomAD exomes below 0.00001.
gnomAD v4.1: 1 of 1,614,116 alleles (0.000062%); highest among the groups gnomAD compares: Admixed American, 0.0017%; no homozygotes.

Submissions (2):

Ambry Genetics
Classification: Uncertain significance for Cardiovascular phenotype. Last evaluated: 2023-03-01. Review status: criteria provided, single submitter. Criteria: Ambry Variant Classification Scheme 2023. Collection method: clinical testing. Allele origin: germline.
Comment: The p.F207V variant (also known as c.619T>G), located in coding exon 4 of the FKTN gene, results from a T to G substitution at nucleotide position 619. The phenylalanine at codon 207 is replaced by valine, an amino acid with highly similar properties. This amino acid position is conserved. In addition, the in silico prediction for this alteration is inconclusive. Since supporting evidence is limited at this time, the clinical significance of this alteration remains unclear.

Labcorp Genetics (formerly Invitae), Labcorp
Classification: Uncertain significance for Walker-Warburg congenital muscular dystrophy. Last evaluated: 2021-09-17. Review status: criteria provided, single submitter. Criteria: Invitae Variant Classification Sherloc (09022015). Collection method: clinical testing. Allele origin: germline.
Comment: This sequence change replaces phenylalanine with valine at codon 207 of the FKTN protein (p.Phe207Val). The phenylalanine residue is highly conserved and there is a small physicochemical difference between phenylalanine and valine. This variant is not present in population databases (ExAC no frequency). This variant has not been reported in the literature in individuals with FKTN-related conditions. Algorithms developed to predict the effect of missense changes on protein structure and function are either unavailable or do not agree on the potential impact of this missense change (SIFT: "Deleterious"; PolyPhen-2: "Benign"; Align-GVGD: "Class C15"). Algorithms developed to predict the effect of sequence changes on RNA splicing suggest that this variant may create or strengthen a splice site, but this prediction has not been confirmed by published transcriptional studies. In summary, the available evidence is currently insufficient to determine the role of this variant in disease. Therefore, it has been classified as a Variant of Uncertain Significance.

NM_001079802.2(FKTN):c.619T>G (p.Phe207Val)

Gene: FKTN (fukutin; plus strand). Cytogenetic location: 9q31.2.
Variant type: single nucleotide variant.
Coding change: c.619T>G on transcript NM_001079802.2 (MANE Select); coding-DNA position 619, T replaced by G.
Protein change: p.Phe207Val; replaces phenylalanine 207 with valine.
Molecular consequence: missense variant. On other transcripts: non-coding transcript variant (2).
Genome position (GRCh38, 1-based): chr9:105,604,464, T>G. VCF-style: chr9-105604464-T-G. GRCh37 (hg19) VCF-style: chr9-108366745-T-G.
Other names: c.619T>G, p.Phe207Val (NM_001198963.2, NM_001351496.2, NM_001351498.2 and 1 more transcripts); c.550T>G, p.Phe184Val (NM_001351497.2); c.223T>G, p.Phe75Val (NM_001351499.2, NM_001351500.2, NM_001351501.2 and 1 more transcripts); c.619T>G (NM_001079802.1); short protein forms F184V, F207V, F75V.
Identifiers: ClinVar variation 1511709 (VCV001511709.6), dbSNP rs1461669175, ClinGen allele CA374332386.